The following is an entry in ClinVar:

ClinVar aggregate classification (germline): Uncertain significance (1 of 4 stars; one submission).

Conditions:
Developmental and epileptic encephalopathy, 31A. Also called: Developmental and epileptic encephalopathy, 31; Epileptic encephalopathy, early infantile, 31. Identifiers: Orphanet 2382, MedGen C4225357, MONDO:0014598, OMIM 616346.

Allele frequency attached by ClinVar (database versions not stated): gnomAD exomes below 0.00001; TOPMed 0.00001.
gnomAD v4.1: 2 of 1,614,004 alleles (0.00012%); highest among the groups gnomAD compares: Non-Finnish European, 0.00017%; no homozygotes.

Submission:

Labcorp Genetics (formerly Invitae), Labcorp
Classification: Uncertain significance for Developmental and epileptic encephalopathy, 31A. Last evaluated: 2022-09-21. Review status: criteria provided, single submitter. Criteria: Invitae Variant Classification Sherloc (09022015). Collection method: clinical testing. Allele origin: germline.
Comment: This variant has not been reported in the literature in individuals affected with DNM1-related conditions. In summary, the available evidence is currently insufficient to determine the role of this variant in disease. Therefore, it has been classified as a Variant of Uncertain Significance. Advanced modeling of protein sequence and biophysical properties (such as structural, functional, and spatial information, amino acid conservation, physicochemical variation, residue mobility, and thermodynamic stability) performed at Invitae indicates that this missense variant is not expected to disrupt DNM1 protein function. This variant is not present in population databases (gnomAD no frequency). This sequence change replaces isoleucine, which is neutral and non-polar, with valine, which is neutral and non-polar, at codon 232 of the DNM1 protein (p.Ile232Val).

NM_004408.4(DNM1):c.694A>G (p.Ile232Val)

Gene: DNM1 (dynamin 1; plus strand). Cytogenetic location: 9q34.11.
Variant type: single nucleotide variant.
Coding change: c.694A>G on transcript NM_004408.4 (MANE Select); coding-DNA position 694, A replaced by G.
Protein change: p.Ile232Val; replaces isoleucine 232 with valine.
Molecular consequence: missense variant.
Genome position (GRCh38, 1-based): chr9:128,220,186, A>G. VCF-style: chr9-128220186-A-G. GRCh37 (hg19) VCF-style: chr9-130982465-A-G.
Other names: c.694A>G, p.Ile232Val (NM_001005336.3, NM_001288737.2, NM_001288738.2 and 2 more transcripts); short protein forms I232V.
Identifiers: ClinVar variation 1919043 (VCV001919043.5), dbSNP rs1019653386, ClinGen allele CA200348007.